The following is an entry in ClinVar:

NM_004360.5(CDH1):c.1293C>G (p.Asn431Lys)

Gene: CDH1 (cadherin 1; plus strand). Cytogenetic location: 16q22.1.
Variant type: single nucleotide variant.
Coding change: c.1293C>G on transcript NM_004360.5 (MANE Select); coding-DNA position 1293, C replaced by G.
Protein change: p.Asn431Lys; replaces asparagine 431 with lysine.
Molecular consequence: missense variant. On other transcripts: 5 prime UTR variant (2), intron variant (1).
Genome position (GRCh38, 1-based): chr16:68,813,468, C>G. VCF-style: chr16-68813468-C-G. GRCh37 (hg19) VCF-style: chr16-68847371-C-G.
Other names: c.-323C>G (NM_001317185.2); c.-527C>G (NM_001317186.2); c.1137+1205C>G (NM_001317184.2); short protein forms N431K.
Identifiers: ClinVar variation 940999 (VCV000940999.9), dbSNP rs767350265, ClinGen allele CA8130030.

ClinVar aggregate classification (germline): Conflicting classifications of pathogenicity. Review status: criteria provided, conflicting classifications (1 of 4 stars). 2 submissions from 2 submitters: Uncertain significance (1); Likely benign (1). Last evaluated 2026-05-15.

Conditions:
Hereditary cancer-predisposing syndrome. Also called: Hereditary Cancer Syndrome; Neoplastic Syndromes, Hereditary; Tumor predisposition; Hereditary neoplastic syndrome. Identifiers: Orphanet 140162, MedGen C0027672, MeSH D009386, MONDO:0015356.
Hereditary diffuse gastric adenocarcinoma (HDGC). Also called: DIFFUSE GASTRIC AND LOBULAR BREAST CANCER SYNDROME. Identifiers: Orphanet 26106, MedGen C1708349, MONDO:0007648, OMIM 137215.

Allele frequency attached by ClinVar (database versions not stated): gnomAD exomes 0.00002 and 0.00001; ExAC 0.00003.
gnomAD v4.1: 13 of 1,614,194 alleles (0.00081%); highest among the groups gnomAD compares: South Asian, 0.012%; no homozygotes.

Submissions (2):

Ambry Genetics
Classification: Likely benign for Hereditary cancer-predisposing syndrome. Last evaluated: 2026-05-15. Review status: criteria provided, single submitter. Criteria: Ambry Variant Classification Scheme 2023. Collection method: clinical testing. Allele origin: germline.

Labcorp Genetics (formerly Invitae), Labcorp
Classification: Uncertain significance for Hereditary diffuse gastric adenocarcinoma. Last evaluated: 2022-09-27. Review status: criteria provided, single submitter. Criteria: Invitae Variant Classification Sherloc (09022015). Collection method: clinical testing. Allele origin: germline.
Comment: This sequence change replaces asparagine, which is neutral and polar, with lysine, which is basic and polar, at codon 431 of the CDH1 protein (p.Asn431Lys). This variant is present in population databases (rs767350265, gnomAD 0.02%). This variant has not been reported in the literature in individuals affected with CDH1-related conditions. ClinVar contains an entry for this variant (Variation ID: 940999). Algorithms developed to predict the effect of missense changes on protein structure and function (SIFT, PolyPhen-2, Align-GVGD) all suggest that this variant is likely to be tolerated. In summary, the available evidence is currently insufficient to determine the role of this variant in disease. Therefore, it has been classified as a Variant of Uncertain Significance.